The following is an entry in ClinVar:

ClinVar aggregate classification (germline): Uncertain significance. Review status: criteria provided, multiple submitters, no conflicts (2 of 4 stars). 2 submissions from 2 submitters: Uncertain significance (2). Last evaluated 2025-12-01.

Allele frequency attached by ClinVar (database versions not stated): gnomAD exomes below 0.00001.
gnomAD v4.1: 6 of 1,609,522 alleles (0.00037%); highest among the groups gnomAD compares: Admixed American, 0.0017%; no homozygotes.

Submissions (2):

CeGaT Center for Human Genetics Tuebingen
Classification: Uncertain significance. Last evaluated: 2025-12-01. Review status: criteria provided, single submitter. Criteria: CeGaT Center For Human Genetics Tuebingen Variant Classification Criteria Version 2. Collection method: clinical testing. Allele origin: germline. Affected: yes. Observed: 1 variant allele.

Labcorp Genetics (formerly Invitae), Labcorp
Classification: Uncertain significance. Last evaluated: 2023-12-04. Review status: criteria provided, single submitter. Criteria: Invitae Variant Classification Sherloc (09022015). Collection method: clinical testing. Allele origin: germline.
Comment: This sequence change replaces glycine, which is neutral and non-polar, with arginine, which is basic and polar, at codon 955 of the WHSC1 protein (p.Gly955Arg). This variant is present in population databases (no rsID available, gnomAD 0.003%). This variant has not been reported in the literature in individuals affected with WHSC1-related conditions. Advanced modeling of protein sequence and biophysical properties (such as structural, functional, and spatial information, amino acid conservation, physicochemical variation, residue mobility, and thermodynamic stability) performed at Invitae indicates that this missense variant is expected to disrupt WHSC1 protein function with a positive predictive value of 80%. In summary, the available evidence is currently insufficient to determine the role of this variant in disease. Therefore, it has been classified as a Variant of Uncertain Significance.

NM_001042424.3(NSD2):c.2863G>A (p.Gly955Arg)

Gene: NSD2 (nuclear receptor binding SET domain protein 2; plus strand). Cytogenetic location: 4p16.3.
Variant type: single nucleotide variant.
Coding change: c.2863G>A on transcript NM_001042424.3 (MANE Select); coding-DNA position 2863, G replaced by A.
Protein change: p.Gly955Arg; replaces glycine 955 with arginine.
Molecular consequence: missense variant.
Genome position (GRCh38, 1-based): chr4:1,956,170, G>A. VCF-style: chr4-1956170-G-A. GRCh37 (hg19) VCF-style: chr4-1957897-G-A.
Other names: c.2863G>A, p.Gly955Arg (NM_133330.3, NM_133331.3, NM_133335.4); short protein forms G955R.
Identifiers: ClinVar variation 2846470 (VCV002846470.8), dbSNP rs934745655, ClinGen allele CA91280009.